The following is an entry in ClinVar:

NM_000219.6(KCNE1):c.208A>C (p.Lys70Gln)

Gene: KCNE1 (potassium voltage-gated channel subfamily E regulatory subunit 1; minus strand). Cytogenetic location: 21q22.12.
Variant type: single nucleotide variant.
Coding change: c.208A>C on transcript NM_000219.6 (MANE Select); coding-DNA position 208, A replaced by C.
Protein change: p.Lys70Gln; replaces lysine 70 with glutamine.
Molecular consequence: missense variant.
Genome position (GRCh38, 1-based): chr21:34,449,427, T>G on the plus strand (A>C on the coding strand, the complement: KCNE1 is on the minus strand). VCF-style: chr21-34449427-T-G. GRCh37 (hg19) VCF-style: chr21-35821725-T-G.
Other names: c.208A>C, p.Lys70Gln (NM_001270402.3, NM_001270403.2, NM_001270404.3 and 4 more transcripts); c.208A>C (NM_000219.3); short protein forms K70Q.
Identifiers: ClinVar variation 568509 (VCV000568509.14), dbSNP rs1568836235, ClinGen allele CA410198269.
Genomic context (GRCh38, chr21:34,449,427, plus strand): 5'-TCTCTTGCCAGGCATCGGACTCGATGTAGACGTTGAATGGGTCGTTCGAGTGCTCCAGCT[T>G]CTTGGAGCGGATGTAGCTCAGCATGATGCCCAGGGTGAAGAAGCCGAAGAATCCCAGTAC-3'
Protein context (NP_000210.2, residues 60-80): GIMLSYIRSK[Lys70Gln]LEHSNDPFNV

ClinVar aggregate classification (germline): Uncertain significance. Review status: criteria provided, multiple submitters, no conflicts (2 of 4 stars). 4 submissions from 4 submitters: Uncertain significance (4). Last evaluated 2025-11-26.

Conditions:
Cardiovascular phenotype. Identifiers: MedGen CN230736.
Long QT syndrome 5 (LQT5). Identifiers: Orphanet 101016, Orphanet 768, MedGen C1867904, MONDO:0013372, OMIM 613695.
Jervell and Lange-Nielsen syndrome 2 (JLNS2). Identifiers: Orphanet 768, Orphanet 90647, MedGen C2676723, MONDO:0012871, OMIM 612347.
Long QT syndrome (LQTS). Identifiers: MedGen C0023976, MeSH D008133, MONDO:0002442. Disease mechanism: loss of function. Inheritance: Various modes of inheritance.

Allele frequency attached by ClinVar (database versions not stated): TOPMed below 0.00001.

Submissions (5):

Labcorp Genetics (formerly Invitae), Labcorp
Classification: Uncertain significance for Long QT syndrome. Last evaluated: 2025-11-26. Review status: criteria provided, single submitter. Criteria: Invitae Variant Classification Sherloc (09022015). Collection method: clinical testing. Allele origin: germline.
Comment: This sequence change replaces lysine, which is basic and polar, with glutamine, which is neutral and polar, at codon 70 of the KCNE1 protein (p.Lys70Gln). This variant is not present in population databases (gnomAD no frequency). This variant has not been reported in the literature in individuals affected with KCNE1-related conditions. ClinVar contains an entry for this variant (Variation ID: 568509). Invitae Evidence Modeling of protein sequence and biophysical properties (such as structural, functional, and spatial information, amino acid conservation, physicochemical variation, residue mobility, and thermodynamic stability) has been performed for this missense variant. However, the output from this modeling did not meet the statistical confidence thresholds required to predict the impact of this variant on KCNE1 protein function. Experimental studies have shown that this missense change affects KCNE1 function (PMID: 16945797, 17130521). This variant disrupts the p.Lys70 amino acid residue in KCNE1. Other variant(s) that disrupt this residue have been determined to be pathogenic (PMID: 31941373; internal data). This suggests that this residue is clinically significant, and that variants that disrupt this residue are likely to be disease-causing. In summary, the available evidence is currently insufficient to determine the role of this variant in disease. Therefore, it has been classified as a Variant of Uncertain Significance.

Women's Health and Genetics/Laboratory Corporation of America, LabCorp
Classification: Uncertain significance. Last evaluated: 2023-09-18. Review status: criteria provided, single submitter. Criteria: LabCorp Variant Classification Summary - May 2015. Collection method: clinical testing. Allele origin: germline.
Comment: Variant summary: KCNE1 c.208A>C (p.Lys70Gln) results in a conservative amino acid change in the encoded protein sequence. Four of five in-silico tools predict a damaging effect of the variant on protein function. The variant was absent in 251410 control chromosomes (gnomAD). The available data on variant occurrences in the general population are insufficient to allow any conclusion about variant significance. To our knowledge, no occurrence of c.208A>C in individuals affected with Long QT Syndrome has been reported. At least one publication reports experimental evidence evaluating an impact on protein function. These results showed this variant mildly impacts protein expression however channel activity was similar to wild type (Takumi_1991). The following publication has been ascertained in the context of this evaluation (PMID: 1939241). Three submitters have cited clinical-significance assessments for this variant to ClinVar after 2014. All submitters classified the variant as uncertain significance. Based on the evidence outlined above, the variant was classified as uncertain significance.

Ambry Genetics
Classification: Uncertain significance for Cardiovascular phenotype. Last evaluated: 2023-04-18. Review status: criteria provided, single submitter. Criteria: Ambry Variant Classification Scheme 2023. Collection method: clinical testing. Allele origin: germline.
Comment: The p.K70Q variant (also known as c.208A>C), located in coding exon 1 of the KCNE1 gene, results from an A to C substitution at nucleotide position 208. The lysine at codon 70 is replaced by glutamine, an amino acid with similar properties. Studies suggest this alteration may have an impact on protein function (Takumi T et al. J Biol Chem, 1991 Nov;266:22192-8). This amino acid position is highly conserved in available vertebrate species. In addition, the in silico prediction for this alteration is inconclusive. Since supporting evidence is limited at this time, the clinical significance of this alteration remains unclear.

Fulgent Genetics
Classification: Uncertain significance for Jervell and Lange-Nielsen syndrome 2; Long QT syndrome 5. Last evaluated: 2021-12-05. Review status: criteria provided, single submitter. Criteria: ACMG Guidelines, 2015. Collection method: clinical testing. Allele origin: unknown.

Roden Lab, Vanderbilt University Medical Center
No classification provided (evidence only). Condition: Long QT syndrome 5. Review status: no classification provided. Collection method: in vitro. Allele origin: not applicable. Functional consequence: Effect on ion channel function. Not counted in ClinVar's aggregate classification.
ClinVar note: "not provided" was previously submitted as the classification for the variant. However, the classification appeared to be based only on an observation of functional data so it was converted to no classification on 2025-07-30.

Literature cited by the submitters: PubMed 16945797 (cited by Labcorp Genetics (formerly Invitae), Labcorp and Ambry Genetics); PubMed 17130521 (cited by Labcorp Genetics (formerly Invitae), Labcorp and Ambry Genetics); PubMed 31941373 (cited by Labcorp Genetics (formerly Invitae), Labcorp); PubMed 1939241 (cited by Women's Health and Genetics/Laboratory Corporation of America, LabCorp and Ambry Genetics).